The following is an entry in ClinVar:

NM_001134363.3(RBM20):c.154C>A (p.Pro52Thr)

Gene: RBM20 (RNA binding motif protein 20; plus strand). Cytogenetic location: 10q25.2.
Variant type: single nucleotide variant.
Coding change: c.154C>A on transcript NM_001134363.3 (MANE Select); coding-DNA position 154, C replaced by A.
Protein change: p.Pro52Thr; replaces proline 52 with threonine.
Molecular consequence: missense variant.
Genome position (GRCh38, 1-based): chr10:110,644,608, C>A. VCF-style: chr10-110644608-C-A. GRCh37 (hg19) VCF-style: chr10-112404366-C-A.
Other names: short protein forms P52T.
Identifiers: ClinVar variation 1065527 (VCV001065527.6), dbSNP rs2134793204, ClinGen allele CA378527886.

ClinVar aggregate classification (germline): Uncertain significance. Review status: criteria provided, single submitter (1 of 4 stars). 2 submissions from 2 submitters: Uncertain significance (1). 1 of the submissions does not count toward it. Last evaluated 2021-09-21.

Conditions:
Primary dilated cardiomyopathy (DCM). Also called: Dilated Cardiomyopathy. Identifiers: Orphanet 217604, MedGen C0007193, MeSH D002311, MONDO:0005021, HP:0001644. Inheritance: Various modes of inheritance.
Dilated cardiomyopathy 1DD (CMD1DD). Identifiers: Orphanet 154, MedGen C2750995, MONDO:0013168, OMIM 613172.

gnomAD v4.1: 2 of 1,519,446 alleles (0.00013%); highest among the groups gnomAD compares: Non-Finnish European, 0.00018%; no homozygotes.

Submissions (2):

Fulgent Genetics
Classification: Uncertain significance for Dilated cardiomyopathy 1DD. Last evaluated: 2021-09-21. Review status: criteria provided, single submitter. Criteria: ACMG Guidelines, 2015. Collection method: clinical testing. Allele origin: unknown.

Heart Failure and Familial Heart Diseases Unit, Hospital Universitario Virgen de la Victoria
Classification: Uncertain significance for Primary dilated cardiomyopathy. Last evaluated: 2020-10-15. Review status: no assertion criteria provided. Collection method: clinical testing. Allele origin: unknown. Affected: yes. Observed: 1 variant allele, 1 heterozygote. Not counted in ClinVar's aggregate classification.
Comment: Although it is not located in the regions considered "hot-spot" of this gene, it is not possible to rule out a possible pathogenic or modifying effect of this variant missense absent in controls. If it is pathogenic, the expected phenotype would be dilated / arrhythmogenic cardiomyopathy that can present with severe manifestations, with a high incidence of sudden death and heart transplantation being reported.

Literature cited by the submitters: PubMed 22004663 (cited by Heart Failure and Familial Heart Diseases Unit, Hospital Universitario Virgen de la Victoria).